The following is an entry in ClinVar:

NM_001184.4(ATR):c.4795C>G (p.Leu1599Val)

Gene: ATR (ATR checkpoint kinase; minus strand). Cytogenetic location: 3q23.
Variant type: single nucleotide variant.
Coding change: c.4795C>G on transcript NM_001184.4 (MANE Select); coding-DNA position 4795, C replaced by G.
Protein change: p.Leu1599Val; replaces leucine 1599 with valine.
Molecular consequence: missense variant.
Genome position (GRCh38, 1-based): chr3:142,512,317, G>C on the plus strand (C>G on the coding strand, the complement: ATR is on the minus strand). VCF-style: chr3-142512317-G-C. GRCh37 (hg19) VCF-style: chr3-142231159-G-C.
Other names: c.4603C>G, p.Leu1535Val (NM_001354579.2); short protein forms L1535V, L1599V.
Identifiers: ClinVar variation 1743126 (VCV001743126.2), dbSNP rs2108371409, ClinGen allele CA354795213.

ClinVar aggregate classification (germline): Uncertain significance (1 of 4 stars; one submission).

Conditions:
Inborn genetic diseases. Identifiers: MedGen C0950123, MeSH D030342.

Submission:

Ambry Genetics
Classification: Uncertain significance for Inborn genetic diseases. Last evaluated: 2022-04-12. Review status: criteria provided, single submitter. Criteria: Ambry Variant Classification Scheme 2023. Collection method: clinical testing. Allele origin: germline.
Comment: The p.L1599V variant (also known as c.4795C>G), located in coding exon 27 of the ATR gene, results from a C to G substitution at nucleotide position 4795. The leucine at codon 1599 is replaced by valine, an amino acid with highly similar properties. This amino acid position is conserved. In addition, this alteration is predicted to be tolerated by in silico analysis. Since supporting evidence is limited at this time, the clinical significance of this alteration remains unclear.